The following is an entry in ClinVar:

ClinVar aggregate classification (germline): Conflicting classifications of pathogenicity. Review status: criteria provided, conflicting classifications (1 of 4 stars). 5 submissions from 5 submitters: Uncertain significance (3); Likely benign (2). Last evaluated 2026-04-02.

Conditions:
Specific granule deficiency. Identifiers: Orphanet 169142, MedGen C0398593, MONDO:0009506.
Specific granule deficiency 1 (SGD1). Also called: LACTOFERRIN-DEFICIENT NEUTROPHILS; NEUTROPHIL LACTOFERRIN DEFICIENCY. Identifiers: Orphanet 169142, MedGen C4551556, MONDO:0044207, OMIM 245480.
CEBPE-related disorder. Also called: CEBPE-related condition.

Allele frequency attached by ClinVar (database versions not stated): gnomAD exomes 0.00018; ExAC 0.00035; ESP Exome Variant Server 0.00054; gnomAD 0.00074 and 0.00076; TOPMed 0.00089; 1000 Genomes Project 30x 0.00109; 1000 Genomes Project 0.00120.
gnomAD v4.1: 197 of 1,611,224 alleles (0.012%); highest among the groups gnomAD compares: African/African-American, 0.24%; no homozygotes.

Submissions (5):

Women's Health and Genetics/Laboratory Corporation of America, LabCorp
Classification: Likely benign. Last evaluated: 2026-04-02. Review status: criteria provided, single submitter. Criteria: LabCorp Variant Classification Summary - May 2015. Collection method: clinical testing. Allele origin: germline.
Comment: Variant summary: CEBPE c.842G>A (p.Ser281Asn) results in a conservative amino acid change in the encoded protein sequence. Algorithms developed to predict the effect of missense changes on protein structure and function are either unavailable or do not agree on the potential impact of this missense change. The variant allele was found at a frequency of 0.00018 in 246468 control chromosomes, predominantly at a frequency of 0.0027 within the African or African-American subpopulation in the gnomAD database. The observed variant frequency within African or African-American control individuals in the gnomAD database exceeds the estimated maximal expected allele frequency for disease-causing variants in CEBPE. To our knowledge, no occurrence of c.842G>A in individuals affected with CEBPE-related conditions and no experimental evidence demonstrating its impact on protein function have been reported. ClinVar contains an entry for this variant (Variation ID: 714668). Based on the evidence outlined above, the variant was classified as likely benign.

Labcorp Genetics (formerly Invitae), Labcorp
Classification: Likely benign for Specific granule deficiency. Last evaluated: 2025-12-17. Review status: criteria provided, single submitter. Criteria: Invitae Variant Classification Sherloc (09022015). Collection method: clinical testing. Allele origin: germline.

Blueprint Genetics
Classification: Uncertain significance. Last evaluated: 2024-09-02. Review status: criteria provided, single submitter. Criteria: ACMG Guidelines, 2015. Collection method: clinical testing. Allele origin: germline.

PreventionGenetics, part of Exact Sciences
Classification: Uncertain significance for CEBPE-related condition. Last evaluated: 2023-09-12. Review status: criteria provided, single submitter. Criteria: ACMG Guidelines, 2015. Collection method: clinical testing. Allele origin: germline.
Comment: The CEBPE c.842G>A variant is predicted to result in the amino acid substitution p.Ser281Asn. To our knowledge, this variant has not been reported in the literature. This variant is reported in 0.26% of alleles in individuals of African descent in gnomAD. At this time, the clinical significance of this variant is uncertain due to the absence of conclusive functional and genetic evidence.

New York Genome Center
Classification: Uncertain significance for Specific granule deficiency 1. Last evaluated: 2021-05-21. Review status: criteria provided, single submitter. Criteria: NYGC Assertion Criteria 2020. Collection method: clinical testing. Allele origin: germline. Observed: 1 heterozygote. Study: CSER-NYCKidSeq.

NM_001805.4(CEBPE):c.842G>A (p.Ser281Asn)

Gene: CEBPE (CCAAT enhancer binding protein epsilon; minus strand). Cytogenetic location: 14q11.2.
Variant type: single nucleotide variant.
Coding change: c.842G>A on transcript NM_001805.4 (MANE Select); coding-DNA position 842, G replaced by A.
Protein change: p.Ser281Asn; replaces serine 281 with asparagine.
Molecular consequence: missense variant.
Genome position (GRCh38, 1-based): chr14:23,117,491, C>T on the plus strand (G>A on the coding strand, the complement: CEBPE is on the minus strand). VCF-style: chr14-23117491-C-T. GRCh37 (hg19) VCF-style: chr14-23586700-C-T.
Other names: short protein forms S281N.
Identifiers: ClinVar variation 714668 (VCV000714668.13), dbSNP rs149444043, ClinGen allele CA7111082.
Genomic context (GRCh38, chr14:23,117,491, plus strand): 5'-GTCCGCAGAGTTAGGCCGTGCCAGGGAGCCTGGTGCCCACAATCCACCAGCCAGCCTCAG[C>T]TGCAACCCCCCACGCCCTTGATGAGGTTGGCCGCCTCAGGAATCTGGCGGAAGAGGTTGC-3'
Protein context (NP_001796.2, residues 271-281): ANLIKGVGGC[Ser281Asn]